The following is an entry in ClinVar:

NM_020366.4(RPGRIP1):c.1145T>A (p.Leu382Ter)

Gene: RPGRIP1 (RPGR interacting protein 1; plus strand). Cytogenetic location: 14q11.2.
Variant type: single nucleotide variant.
Coding change: c.1145T>A on transcript NM_020366.4 (MANE Select); coding-DNA position 1145, T replaced by A.
Protein change: p.Leu382Ter; replaces leucine 382 with a stop codon.
Molecular consequence: nonsense.
Genome position (GRCh38, 1-based): chr14:21,312,500, T>A. VCF-style: chr14-21312500-T-A. GRCh37 (hg19) VCF-style: chr14-21780659-T-A.
Other names: short protein forms L382*.
Identifiers: ClinVar variation 1382627 (VCV001382627.6), dbSNP rs2139176356, ClinGen allele CA388862928.

ClinVar aggregate classification (germline): Pathogenic (1 of 4 stars; one submission).

Conditions:
Cone-rod dystrophy 13 (CORD13). Identifiers: Orphanet 1872, MedGen C2750720, MONDO:0011987, OMIM 608194.
Leber congenital amaurosis 6 (LCA6). Identifiers: Orphanet 65, MedGen C1854260, MONDO:0013446, OMIM 613826.

Allele frequency attached by ClinVar (database versions not stated): gnomAD exomes below 0.00001.
gnomAD v4.1: 1 of 1,608,390 alleles (0.000062%); highest among the groups gnomAD compares: Non-Finnish European, 0.000085%; no homozygotes.

Submission:

Labcorp Genetics (formerly Invitae), Labcorp
Classification: Pathogenic for Leber congenital amaurosis 6; Cone-rod dystrophy 13. Last evaluated: 2021-11-10. Review status: criteria provided, single submitter. Criteria: Invitae Variant Classification Sherloc (09022015). Collection method: clinical testing. Allele origin: germline.
Comment: This sequence change creates a premature translational stop signal (p.Leu382*) in the RPGRIP1 gene. It is expected to result in an absent or disrupted protein product. Loss-of-function variants in RPGRIP1 are known to be pathogenic (PMID: 11528500, 23105016). This variant is not present in population databases (gnomAD no frequency). This variant has not been reported in the literature in individuals affected with RPGRIP1-related conditions. For these reasons, this variant has been classified as Pathogenic.

Literature cited by the submitters: PubMed 11528500; PubMed 23105016.